The following is an entry in ClinVar:

ClinVar aggregate classification (germline): Uncertain significance (1 of 4 stars; one submission).

Submission:

GeneDx
Classification: Uncertain significance. Last evaluated: 2024-09-24. Review status: criteria provided, single submitter. Criteria: GeneDx Variant Classification Process June 2021. Collection method: clinical testing. Allele origin: germline. Affected: yes.
Comment: Not observed at significant frequency in large population cohorts (gnomAD); In-frame deletion of 1 amino acid(s) in a non-repeat region; In silico analysis indicates that this variant does not alter protein structure/function; Has not been previously published as pathogenic or benign to our knowledge

NM_022455.5(NSD1):c.7843AAG[1] (p.Lys2616del)

Gene: NSD1 (nuclear receptor binding SET domain protein 1; plus strand). Cytogenetic location: 5q35.3.
Variant type: Microsatellite.
Coding change: c.7843AAG[1] on transcript NM_022455.5 (MANE Select); one copy of the 3-base unit AAG starting at c.7843; the reference has two copies in a row; one copy, 3 bases deleted; also written c.7846_7848del.
Protein change: p.Lys2616del; deletes lysine 2616.
Molecular consequence: inframe indel (on NM_022455.4).
Genome position (GRCh38, 1-based): chr5:177,295,214-177,295,216, AAG deleted; deleting any 3 consecutive bases within chr5:177,295,211-177,295,216 gives the same sequence; the position shown is the placement nearest the transcript's 3' end. VCF-style (leftmost placement, unchanged base first): chr5-177295210-AAAG-A. GRCh37 (hg19) VCF-style: chr5-176722211-AAAG-A.
Other names: c.6970AAG[1], p.Lys2325del (NM_001365684.2, NM_001409308.1, NM_172349.5); c.7843AAG[1], p.Lys2616del (NM_001409301.1, NM_001409302.1, NM_001409303.1); c.7423AAG[1], p.Lys2476del (NM_001409304.1); c.7090AAG[1], p.Lys2365del (NM_001409305.1); c.7081AAG[1], p.Lys2362del (NM_001409306.1, NM_001409307.1); c.6721AAG[1], p.Lys2242del (NM_001409309.1); c.7843_7845AAG[1], p.Lys2616del (NM_022455.4); c.7846_7848del (NM_022455.4); short protein forms K2242del, K2325del, K2362del, K2365del, K2476del, K2616del.
Identifiers: ClinVar variation 3774210 (VCV003774210.1).
Genomic context (GRCh38, chr5:177,295,210, plus strand): 5'-CAAGAGTGGGCAATCTTTTAGGTCTCTCGGGAAGGCCCCAGCCTCCCTCCCCACTGAAGA[AAAG>A]AAGTTGGTAACCACAGAGCAAAGTCCCTGGGCCCTGGGAAAAGCCTCATCACGGGCAGGG-3'